The following is an entry in ClinVar:

NM_004958.4(MTOR):c.3787A>G (p.Ile1263Val)

Gene: MTOR (mechanistic target of rapamycin kinase; minus strand). Cytogenetic location: 1p36.22.
Variant type: single nucleotide variant.
Coding change: c.3787A>G on transcript NM_004958.4 (MANE Select); coding-DNA position 3787, A replaced by G.
Protein change: p.Ile1263Val; replaces isoleucine 1263 with valine.
Molecular consequence: missense variant.
Genome position (GRCh38, 1-based): chr1:11,209,326, T>C on the plus strand (A>G on the coding strand, the complement: MTOR is on the minus strand). VCF-style: chr1-11209326-T-C. GRCh37 (hg19) VCF-style: chr1-11269383-T-C.
Other names: c.3787A>G, p.Ile1263Val (NM_001386500.1); c.2539A>G, p.Ile847Val (NM_001386501.1); short protein forms I1263V, I847V.
Identifiers: ClinVar variation 3373738 (VCV003373738.1).
Genomic context (GRCh38, chr1:11,209,326, plus strand): 5'-AAGAGCAGAGCTCTCCTTTCCCAGTCACCTGAAACAATGGACTTGCCTTTTGGAGGTTGA[T>C]GGTGCTGACGTGCAGTTTCTTCATGGGTCCTGTTTCCACTGGTCCACTAGCCAATGCATC-3'
Protein context (NP_004949.1, residues 1253-1273): GPMKKLHVST[Ile1263Val]NLQKAWGAAR

ClinVar aggregate classification (germline): Uncertain significance (1 of 4 stars; one submission).

gnomAD v4.1: 2 of 1,614,220 alleles (0.00012%); highest among the groups gnomAD compares: Non-Finnish European, 0.000085%; no homozygotes.

Submission:

GeneDx
Classification: Uncertain significance. Last evaluated: 2024-03-06. Review status: criteria provided, single submitter. Criteria: GeneDx Variant Classification Process June 2021. Collection method: clinical testing. Allele origin: germline. Affected: yes.
Comment: Not observed at significant frequency in large population cohorts (gnomAD); In silico analysis supports that this missense variant does not alter protein structure/function; Has not been previously published as pathogenic or benign to our knowledge